The following is an entry in ClinVar:

NM_001379500.1(COL18A1):c.107-12494C>T

Gene: COL18A1 (collagen type XVIII alpha 1 chain; plus strand). Cytogenetic location: 21q22.3.
Variant type: single nucleotide variant.
Coding change: c.107-12494C>T on transcript NM_001379500.1 (MANE Select); 12494 bases into the intron before coding-DNA position 107, C replaced by T.
Molecular consequence: intron variant. On other transcripts: missense variant (2).
Genome position (GRCh38, 1-based): chr21:45,455,748, C>T. VCF-style: chr21-45455748-C-T. GRCh37 (hg19) VCF-style: chr21-46875662-C-T.
Other names: c.218C>T, p.Pro73Leu (NM_030582.4, NM_130444.3); short protein forms P73L.
Identifiers: ClinVar variation 1397702 (VCV001397702.6), dbSNP rs779506536, ClinGen allele CA10065411.
Genomic context (GRCh38, chr21:45,455,748, plus strand): 5'-CTGTGCAGCCCACAGCAGATACCACCACACACGTGACCCCCCGGAATGGTTCCACAGAGC[C>T]AGCGACAGCCCCTGGCAGCCCTGAGCCACCCTCAGAGCTGCTGGAAGATGGCCAGGACAC-3'

ClinVar aggregate classification (germline): Uncertain significance (1 of 4 stars; one submission).

Allele frequency attached by ClinVar (database versions not stated): TOPMed below 0.00001; ExAC 0.00001; gnomAD 0.00001; gnomAD exomes 0.00002.
gnomAD v4.1: 48 of 1,613,700 alleles (0.003%); highest among the groups gnomAD compares: Non-Finnish European, 0.0039%; no homozygotes.

Submission:

Labcorp Genetics (formerly Invitae), Labcorp
Classification: Uncertain significance. Last evaluated: 2023-12-06. Review status: criteria provided, single submitter. Criteria: Invitae Variant Classification Sherloc (09022015). Collection method: clinical testing. Allele origin: germline.
Comment: The COL18A1 gene has multiple clinically relevant transcripts. This variant occurs in alternate transcript NM_030582.3, and corresponds to NM_130445.3:c.107-12494C>T in the primary transcript. This sequence change replaces proline, which is neutral and non-polar, with leucine, which is neutral and non-polar, at codon 73 of the COL18A1 protein (p.Pro73Leu). This variant is present in population databases (rs779506536, gnomAD 0.004%). This variant has not been reported in the literature in individuals affected with COL18A1-related conditions. ClinVar contains an entry for this variant (Variation ID: 1397702). Experimental studies and prediction algorithms are not available or were not evaluated, and the functional significance of this variant is currently unknown. Algorithms developed to predict the effect of sequence changes on RNA splicing suggest that this variant is not likely to affect RNA splicing. In summary, the available evidence is currently insufficient to determine the role of this variant in disease. Therefore, it has been classified as a Variant of Uncertain Significance.